The following is an entry in ClinVar:

ClinVar aggregate classification (germline): Conflicting classifications of pathogenicity. Review status: criteria provided, conflicting classifications (1 of 4 stars). 2 submissions from 2 submitters: Uncertain significance (1); Likely benign (1). Last evaluated 2025-11-18.

Conditions:
Primary ciliary dyskinesia. Also called: Ciliary dyskinesia. Identifiers: Orphanet 244, MedGen C0008780, MONDO:0016575, HP:0012265.
Orofaciodigital syndrome I (OFD1). Also called: Papillon-Leage and Psaume Syndrome; Oral-Facial-Digital Syndrome Type I; OFDS I. Identifiers: Orphanet 2750, MedGen C1510460, MONDO:0010702, OMIM 311200.
Joubert syndrome. Also called: JOUBERT-BOLTSHAUSER SYNDROME; Familial aplasia of the vermis. Identifiers: Orphanet 475, MedGen C5979921, MONDO:0018772.

Allele frequency attached by ClinVar (database versions not stated): ExAC 0.00001; gnomAD exomes 0.00002.
gnomAD v4.1: 8 of 1,211,803 alleles (0.00066%); highest among the groups gnomAD compares: South Asian, 0.014%; no homozygotes.

Submissions (2):

Labcorp Genetics (formerly Invitae), Labcorp
Classification: Uncertain significance for Orofaciodigital syndrome I; Joubert syndrome. Last evaluated: 2025-11-18. Review status: criteria provided, single submitter. Criteria: Invitae Variant Classification Sherloc (09022015). Collection method: clinical testing. Allele origin: germline.
Comment: This sequence change replaces methionine, which is neutral and non-polar, with isoleucine, which is neutral and non-polar, at codon 603 of the OFD1 protein (p.Met603Ile). This variant is present in population databases (rs771742424, gnomAD 0.01%). This variant has not been reported in the literature in individuals affected with OFD1-related conditions. ClinVar contains an entry for this variant (Variation ID: 1925379). Invitae Evidence Modeling of protein sequence and biophysical properties (such as structural, functional, and spatial information, amino acid conservation, physicochemical variation, residue mobility, and thermodynamic stability) indicates that this missense variant is not expected to disrupt OFD1 protein function with a negative predictive value of 80%. In summary, the available evidence is currently insufficient to determine the role of this variant in disease. Therefore, it has been classified as a Variant of Uncertain Significance.

Ambry Genetics
Classification: Likely benign for Primary ciliary dyskinesia. Last evaluated: 2024-06-05. Review status: criteria provided, single submitter. Criteria: Ambry Variant Classification Scheme 2023. Collection method: clinical testing. Allele origin: germline.

NM_003611.3(OFD1):c.1809G>T (p.Met603Ile)

Gene: OFD1 (OFD1 centriole and centriolar satellite protein; plus strand). Cytogenetic location: Xp22.2.
Variant type: single nucleotide variant.
Coding change: c.1809G>T on transcript NM_003611.3 (MANE Select); coding-DNA position 1809, G replaced by T.
Protein change: p.Met603Ile; replaces methionine 603 with isoleucine.
Molecular consequence: missense variant.
Genome position (GRCh38, 1-based): chrX:13,760,269, G>T. VCF-style: chrX-13760269-G-T. GRCh37 (hg19) VCF-style: chrX-13778388-G-T.
Other names: c.1689G>T, p.Met563Ile (NM_001330209.2); c.1389G>T, p.Met463Ile (NM_001330210.2); c.1809G>T (NM_003611.2); short protein forms M463I, M563I, M603I.
Identifiers: ClinVar variation 1925379 (VCV001925379.7), dbSNP rs771742424, ClinGen allele CA10351894.